The following is an entry in ClinVar:

NM_024592.5(SRD5A3):c.751G>C (p.Val251Leu)

Genes: SRD5A3 (steroid 5 alpha-reductase 3; plus strand), SRD5A3-AS1 (SRD5A3 antisense RNA 1; minus strand). Cytogenetic location: 4q12.
Variant type: single nucleotide variant.
Coding change: c.751G>C on transcript NM_024592.5 (MANE Select); coding-DNA position 751, G replaced by C.
Protein change: p.Val251Leu; replaces valine 251 with leucine.
Molecular consequence: missense variant.
Genome position (GRCh38, 1-based): chr4:55,369,885, G>C. VCF-style: chr4-55369885-G-C. GRCh37 (hg19) VCF-style: chr4-56236052-G-C.
Other names: c.616G>C, p.Val206Leu (NM_001410732.1); short protein forms V206L, V251L.
Identifiers: ClinVar variation 2003329 (VCV002003329.4), dbSNP rs1324153809, ClinGen allele CA356958127.

ClinVar aggregate classification (germline): Uncertain significance (1 of 4 stars; one submission).

Conditions:
SRD5A3-congenital disorder of glycosylation. Also called: SRD5A3-CDG; COLOBOMA, OCULAR, WITH ICHTHYOSIS, BRAIN MALFORMATIONS, AND ENDOCRINE ABNORMALITIES; Ocular colobomas, ichthyosis, brain malformations and endocrine abnormalities; Congenital disorder of glycosylation type 1Q; CDG Iq. Identifiers: Orphanet 324737, MedGen C4317224, MONDO:0012885, OMIM 612379.

Submission:

Labcorp Genetics (formerly Invitae), Labcorp
Classification: Uncertain significance for SRD5A3-congenital disorder of glycosylation. Last evaluated: 2022-07-17. Review status: criteria provided, single submitter. Criteria: Invitae Variant Classification Sherloc (09022015). Collection method: clinical testing. Allele origin: germline.
Comment: This variant is not present in population databases (gnomAD no frequency). This sequence change replaces valine, which is neutral and non-polar, with leucine, which is neutral and non-polar, at codon 251 of the SRD5A3 protein (p.Val251Leu). This variant has not been reported in the literature in individuals affected with SRD5A3-related conditions. Algorithms developed to predict the effect of missense changes on protein structure and function are either unavailable or do not agree on the potential impact of this missense change (SIFT: "Tolerated"; PolyPhen-2: "Probably Damaging"; Align-GVGD: "Class C0"). In summary, the available evidence is currently insufficient to determine the role of this variant in disease. Therefore, it has been classified as a Variant of Uncertain Significance.